The following is an entry in ClinVar:

ClinVar aggregate classification (germline): Likely pathogenic (1 of 4 stars; one submission).

Conditions:
Early-infantile DEE. Also called: Early infantile epileptic encephalopathy; Ohtahara syndrome; Early infantile epileptic encephalopathy with suppression bursts. Identifiers: Orphanet 1934, MedGen C0393706, MONDO:0800491.

Submission:

Labcorp Genetics (formerly Invitae), Labcorp
Classification: Likely pathogenic for Early-infantile DEE. Last evaluated: 2024-02-17. Review status: criteria provided, single submitter. Criteria: Invitae Variant Classification Sherloc (09022015). Collection method: clinical testing. Allele origin: germline.
Comment: This sequence change replaces threonine, which is neutral and polar, with serine, which is neutral and polar, at codon 160 of the SCN1A protein (p.Thr160Ser). This variant is not present in population databases (gnomAD no frequency). This variant has not been reported in the literature in individuals affected with SCN1A-related conditions. Advanced modeling of protein sequence and biophysical properties (such as structural, functional, and spatial information, amino acid conservation, physicochemical variation, residue mobility, and thermodynamic stability) performed at Invitae indicates that this missense variant is expected to disrupt SCN1A protein function with a positive predictive value of 95%. This variant disrupts the p.Thr160 amino acid residue in SCN1A. Other variant(s) that disrupt this residue have been determined to be pathogenic (PMID: 32613771; Invitae). This suggests that this residue is clinically significant, and that variants that disrupt this residue are likely to be disease-causing. In summary, the currently available evidence indicates that the variant is pathogenic, but additional data are needed to prove that conclusively. Therefore, this variant has been classified as Likely Pathogenic.

Literature cited by the submitters: PubMed 32613771.

NM_001165963.4(SCN1A):c.478A>T (p.Thr160Ser)

Gene: SCN1A (sodium voltage-gated channel alpha subunit 1; minus strand). Cytogenetic location: 2q24.3.
Variant type: single nucleotide variant.
Coding change: c.478A>T on transcript NM_001165963.4 (MANE Select); coding-DNA position 478, A replaced by T.
Protein change: p.Thr160Ser; replaces threonine 160 with serine.
Molecular consequence: missense variant. On other transcripts: 5 prime UTR variant (1), non-coding transcript variant (1).
Genome position (GRCh38, 1-based): chr2:166,054,762, T>A on the plus strand (A>T on the coding strand, the complement: SCN1A is on the minus strand). VCF-style: chr2-166054762-T-A. GRCh37 (hg19) VCF-style: chr2-166911272-T-A.
Other names: c.478A>T, p.Thr160Ser (NM_001165964.3, NM_001202435.3, NM_001353948.2 and 10 more transcripts); c.-1948A>T (NM_001353961.2); short protein forms T160S.
Identifiers: ClinVar variation 3634066 (VCV003634066.2).